The following is an entry in ClinVar:

ClinVar aggregate classification (germline): Uncertain significance (1 of 4 stars; one submission).

Allele frequency attached by ClinVar (database versions not stated): gnomAD exomes below 0.00001.

Submission:

Women's Health and Genetics/Laboratory Corporation of America, LabCorp
Classification: Uncertain significance. Last evaluated: 2021-02-08. Review status: criteria provided, single submitter. Criteria: LabCorp Variant Classification Summary - May 2015. Collection method: clinical testing. Allele origin: germline.
Comment: Variant summary: GAA c.860C>T (p.Pro287Leu) results in a non-conservative amino acid change in the encoded protein sequence. Three of five in-silico tools predict a benign effect of the variant on protein function. The variant allele was found at a frequency of 4.1e-06 in 244236 control chromosomes. The available data on variant occurrences in the general population are insufficient to allow any conclusion about variant significance. To our knowledge, no occurrence of c.860C>T in individuals affected with Glycogen Storage Disease, Type 2 (Pompe Disease) and no experimental evidence demonstrating its impact on protein function have been reported. No clinical diagnostic laboratories have submitted clinical-significance assessments for this variant to ClinVar after 2014. Based on the evidence outlined above, the variant was classified as uncertain significance.

NM_000152.5(GAA):c.860C>T (p.Pro287Leu)

Gene: GAA (alpha glucosidase; plus strand). Cytogenetic location: 17q25.3.
Variant type: single nucleotide variant.
Coding change: c.860C>T on transcript NM_000152.5 (MANE Select); coding-DNA position 860, C replaced by T.
Protein change: p.Pro287Leu; replaces proline 287 with leucine.
Molecular consequence: missense variant.
Genome position (GRCh38, 1-based): chr17:80,107,801, C>T. VCF-style: chr17-80107801-C-T. GRCh37 (hg19) VCF-style: chr17-78081600-C-T.
Other names: c.860C>T, p.Pro287Leu (NM_001079803.3, NM_001079804.3); short protein forms P287L.
Identifiers: ClinVar variation 997871 (VCV000997871.1), dbSNP rs1289916206, ClinGen allele CA401363807.
Genomic context (GRCh38, chr17:80,107,801, plus strand): 5'-GGCGGGGGCACTGAGCTGGGGAGCGCAGGTGCTGAAGCGCCGTCTCCTGCATGTCCCAGC[C>T]CGGTGCGAACCTCTACGGGTCTCACCCTTTCTACCTGGCGCTGGAGGACGGCGGGTCGGC-3'
Protein context (NP_000143.2, residues 277-297): TLWNRDLAPT[Pro287Leu]GANLYGSHPF